The following is an entry in ClinVar:

NM_024426.6(WT1):c.196G>A (p.Ala66Thr)

Genes: WT1 (WT1 transcription factor; minus strand), LOC107982234 (WT1/WT1-AS bi-directional promoter region; plus strand). Cytogenetic location: 11p13.
Variant type: single nucleotide variant.
Coding change: c.196G>A on transcript NM_024426.6 (MANE Select); coding-DNA position 196, G replaced by A.
Protein change: p.Ala66Thr; replaces alanine 66 with threonine.
Molecular consequence: missense variant. On other transcripts: non-coding transcript variant (1).
Genome position (GRCh38, 1-based): chr11:32,435,165, C>T on the plus strand (G>A on the coding strand, the complement: WT1 is on the minus strand). VCF-style: chr11-32435165-C-T. GRCh37 (hg19) VCF-style: chr11-32456711-C-T.
Other names: c.196G>A, p.Ala66Thr (NM_000378.6, NM_024424.5); short protein forms A66T.
Identifiers: ClinVar variation 642281 (VCV000642281.13), dbSNP rs1590410967, ClinGen allele CA379966185.

ClinVar aggregate classification (germline): Conflicting classifications of pathogenicity. Review status: criteria provided, conflicting classifications (1 of 4 stars). 3 submissions from 3 submitters: Uncertain significance (2); Likely benign (1). Last evaluated 2025-01-30.

Conditions:
Inborn genetic diseases. Identifiers: MedGen C0950123, MeSH D030342.
Drash syndrome (DDS). Also called: WILMS TUMOR AND PSEUDO- OR TRUE HERMAPHRODITISM; NEPHROPATHY, WILMS TUMOR, AND GENITAL ANOMALIES. Identifiers: Orphanet 220, MedGen C0950121, MONDO:0008682, OMIM 194080.
Frasier syndrome. Identifiers: Orphanet 347, MedGen C0950122, MeSH D052159, MONDO:0007635, OMIM 136680.
Wilms tumor 1 (WT1). Also called: Wilms tumor, somatic. Identifiers: Orphanet 654, MedGen CN033288, MONDO:0008679, OMIM 194070.
11p partial monosomy syndrome (WAGR). Also called: CHROMOSOME 11p13 DELETION SYNDROME; WAGR Complex; WAGR syndrome; WAGR Spectrum Disorder. Identifiers: Orphanet 893, MedGen C0206115, MONDO:0008681, OMIM 194072.

Allele frequency attached by ClinVar (database versions not stated): gnomAD exomes 0.00002.
gnomAD v4.1: 12 of 1,521,226 alleles (0.00079%); highest among the groups gnomAD compares: Non-Finnish European, 0.0011%; no homozygotes.

Submissions (3):

Ambry Genetics
Classification: Likely benign for Inborn genetic diseases. Last evaluated: 2025-01-30. Review status: criteria provided, single submitter. Criteria: Ambry Variant Classification Scheme 2023. Collection method: clinical testing. Allele origin: germline.

Labcorp Genetics (formerly Invitae), Labcorp
Classification: Uncertain significance for Wilms tumor 1; Drash syndrome; 11p partial monosomy syndrome; Frasier syndrome. Last evaluated: 2022-07-25. Review status: criteria provided, single submitter. Criteria: Invitae Variant Classification Sherloc (09022015). Collection method: clinical testing. Allele origin: germline.
Comment: In summary, the available evidence is currently insufficient to determine the role of this variant in disease. Therefore, it has been classified as a Variant of Uncertain Significance. Algorithms developed to predict the effect of missense changes on protein structure and function are either unavailable or do not agree on the potential impact of this missense change (SIFT: "Deleterious"; PolyPhen-2: "Benign"; Align-GVGD: "Class C0"). ClinVar contains an entry for this variant (Variation ID: 642281). This variant has not been reported in the literature in individuals affected with WT1-related conditions. This variant is not present in population databases (gnomAD no frequency). This sequence change replaces alanine, which is neutral and non-polar, with threonine, which is neutral and polar, at codon 61 of the WT1 protein (p.Ala61Thr).

Institute for Clinical Genetics, University Hospital TU Dresden, University Hospital TU Dresden
Classification: Uncertain significance. Last evaluated: 2021-11-03. Review status: criteria provided, single submitter. Criteria: ACMG Guidelines, 2015. Collection method: clinical testing. Allele origin: germline.